The following is an entry in ClinVar:

NM_001199397.3(NEK1):c.2358G>A (p.Lys786=)

Gene: NEK1 (NIMA related kinase 1; minus strand). Cytogenetic location: 4q33.
Variant type: single nucleotide variant.
Coding change: c.2358G>A on transcript NM_001199397.3 (MANE Select); coding-DNA position 2358, G replaced by A.
Protein change: p.Lys786=; no amino-acid change (lysine 786 retained).
Molecular consequence: synonymous variant. On other transcripts: non-coding transcript variant (1).
Genome position (GRCh38, 1-based): chr4:169,477,200, C>T on the plus strand (G>A on the coding strand, the complement: NEK1 is on the minus strand). VCF-style: chr4-169477200-C-T. GRCh37 (hg19) VCF-style: chr4-170398351-C-T.
Other names: c.2226G>A, p.Lys742= (NM_001199398.3); c.2067G>A, p.Lys689= (NM_001199399.3); c.2142G>A, p.Lys714= (NM_001199400.3); c.2358G>A, p.Lys786= (NM_001374418.1); c.2274G>A, p.Lys758= (NM_001374419.1, NM_012224.4); c.2223G>A, p.Lys741= (NM_001374420.1); c.2052G>A, p.Lys684= (NM_001374421.1); c.2274G>A (NM_012224.2).
Identifiers: ClinVar variation 2712895 (VCV002712895.5), dbSNP rs879770344, ClinGen allele CA109900243.

ClinVar aggregate classification (germline): Likely benign. Review status: criteria provided, single submitter (1 of 4 stars). 2 submissions from 2 submitters: Likely benign (1). 1 of the submissions does not count toward it. Last evaluated 2025-05-05.

Conditions:
NEK1-related disorder. Also called: NEK1-related condition.
Short-rib thoracic dysplasia 6 with or without polydactyly (SRTD6). Also called: Majewski Syndrome; SHORT-RIB THORACIC DYSPLASIA 6 WITH POLYDACTYLY; SHORT-RIB THORACIC DYSPLASIA 6 WITHOUT POLYDACTYLY; POLYDACTYLY WITH NEONATAL CHONDRODYSTROPHY, TYPE II; SHORT RIB-POLYDACTYLY SYNDROME, TYPE IIA. Identifiers: MedGen C0024507, MONDO:0009894, OMIM 263520.

Allele frequency attached by ClinVar (database versions not stated): gnomAD 0.00001; gnomAD exomes 0.00001; TOPMed 0.00002.
gnomAD v4.1: 22 of 1,608,370 alleles (0.0014%); highest among the groups gnomAD compares: Non-Finnish European, 0.0016%; no homozygotes.

Submissions (2):

Labcorp Genetics (formerly Invitae), Labcorp
Classification: Likely benign for Short-rib thoracic dysplasia 6 with or without polydactyly. Last evaluated: 2025-05-05. Review status: criteria provided, single submitter. Criteria: Invitae Variant Classification Sherloc (09022015). Collection method: clinical testing. Allele origin: germline.

PreventionGenetics, part of Exact Sciences
Classification: Likely benign for NEK1-related condition. Last evaluated: 2022-11-28. Review status: no assertion criteria provided. Collection method: clinical testing. Allele origin: germline. Not counted in ClinVar's aggregate classification.
Comment: This variant is classified as likely benign based on ACMG/AMP sequence variant interpretation guidelines (Richards et al. 2015 PMID: 25741868, with internal and published modifications).